The following is an entry in ClinVar:

ClinVar aggregate classification (germline): Pathogenic (1 of 4 stars; one submission).

Conditions:
Interstitial lung disease due to ABCA3 deficiency. Also called: PULMONARY ALVEOLAR PROTEINOSIS, CONGENITAL, 3. Identifiers: Orphanet 440402, MedGen C1970456, MONDO:0012582, OMIM 610921.

Submission:

Myriad Genetics, Inc.
Classification: Pathogenic for Interstitial lung disease due to ABCA3 deficiency. Last evaluated: 2026-03-25. Review status: criteria provided, single submitter. Criteria: Myriad Autosomal Dominant, Autosomal Recessive and X-Linked Classification Criteria (2023). Collection method: clinical testing. Allele origin: unknown.
Comment: NM_001089.2(ABCA3):c.1144_1148del5(Y382Lfs*29) is expected to be pathogenic in the context of surfactant deficiency, ABCA3-related. This variant is predicted to lead to an abnormal or absent protein product due to the creation of a premature termination codon in ABCA3, a gene where loss-of-function variants are known to be pathogenic. Please note: this variant was assessed in the context of healthy population screening.

NM_001089.3(ABCA3):c.1144_1148del (p.Tyr382fs)

Gene: ABCA3 (ATP binding cassette subfamily A member 3; minus strand). Cytogenetic location: 16p13.3.
Variant type: Deletion.
Coding change: c.1144_1148del on transcript NM_001089.3 (MANE Select); coding-DNA positions 1144 to 1148, 5 bases deleted (TACTT; older notation c.1144_1148delTACTT).
Protein change: p.Tyr382fs; shifts the reading frame from tyrosine 382.
Molecular consequence: frameshift variant.
Genome position (GRCh38, 1-based): chr16:2,308,587-2,308,591, AAGTA deleted on the plus strand (TACTT on the coding strand, the reverse complement: ABCA3 is on the minus strand). VCF-style (leftmost placement, unchanged base first): chr16-2308586-GAAGTA-G. GRCh37 (hg19) VCF-style: chr16-2358587-GAAGTA-G.
Other names: short protein forms Y382fs.
Identifiers: ClinVar variation 5015724 (VCV005015724.1).